The following is an entry in ClinVar:

NM_016239.4(MYO15A):c.8680A>G (p.Ile2894Val)

Gene: MYO15A (myosin XVA; plus strand). Cytogenetic location: 17p11.2.
Variant type: single nucleotide variant.
Coding change: c.8680A>G on transcript NM_016239.4 (MANE Select); coding-DNA position 8680, A replaced by G.
Protein change: p.Ile2894Val; replaces isoleucine 2894 with valine.
Molecular consequence: missense variant.
Genome position (GRCh38, 1-based): chr17:18,157,032, A>G. VCF-style: chr17-18157032-A-G. GRCh37 (hg19) VCF-style: chr17-18060346-A-G.
Other names: short protein forms I2894V.
Identifiers: ClinVar variation 3601406 (VCV003601406.1).

ClinVar aggregate classification (germline): Likely pathogenic (1 of 4 stars; one submission).

Conditions:
Autosomal recessive nonsyndromic hearing loss 3. Also called: NEUROSENSORY NONSYNDROMIC RECESSIVE DEAFNESS 3. Identifiers: Orphanet 90636, MedGen C1838263, MONDO:0010860, OMIM 600316.

Submission:

Institute of Rare Diseases, West China Hospital, Sichuan University
Classification: Likely pathogenic for Autosomal recessive nonsyndromic hearing loss 3. Last evaluated: 2025-01-09. Review status: criteria provided, single submitter. Criteria: ClinGen HL ACMG Specifications v1. Collection method: research. Allele origin: germline. Affected: yes.
Comment: PM3;PM5;PM2_Supporting;PP3